The following is an entry in ClinVar:

ClinVar aggregate classification (germline): Uncertain significance. Review status: criteria provided, multiple submitters, no conflicts (2 of 4 stars). 2 submissions from 2 submitters: Uncertain significance (2). Last evaluated 2025-04-12.

Conditions:
Inborn genetic diseases. Identifiers: MedGen C0950123, MeSH D030342.

Allele frequency attached by ClinVar (database versions not stated): ExAC 0.00013; TOPMed 0.00036; ESP Exome Variant Server 0.00046; gnomAD 0.00029.
gnomAD v4.1: 168 of 1,613,868 alleles (0.01%); highest among the groups gnomAD compares: Middle Eastern, 0.12%; 1 homozygote.

Submissions (2):

Ambry Genetics
Classification: Uncertain significance for Inborn genetic diseases. Last evaluated: 2025-04-12. Review status: criteria provided, single submitter. Criteria: Ambry Variant Classification Scheme 2023. Collection method: clinical testing. Allele origin: germline.

Labcorp Genetics (formerly Invitae), Labcorp
Classification: Uncertain significance. Last evaluated: 2023-12-21. Review status: criteria provided, single submitter. Criteria: Invitae Variant Classification Sherloc (09022015). Collection method: clinical testing. Allele origin: germline.
Comment: This sequence change replaces alanine, which is neutral and non-polar, with serine, which is neutral and polar, at codon 848 of the ITGA8 protein (p.Ala848Ser). This variant is present in population databases (rs146071511, gnomAD 0.1%). This variant has not been reported in the literature in individuals affected with ITGA8-related conditions. ClinVar contains an entry for this variant (Variation ID: 2154191). Algorithms developed to predict the effect of missense changes on protein structure and function output the following: SIFT: "Not Available"; PolyPhen-2: "Benign"; Align-GVGD: "Not Available". The serine amino acid residue is found in multiple mammalian species, which suggests that this missense change does not adversely affect protein function. In summary, the available evidence is currently insufficient to determine the role of this variant in disease. Therefore, it has been classified as a Variant of Uncertain Significance.

NM_003638.3(ITGA8):c.2542G>T (p.Ala848Ser)

Gene: ITGA8 (integrin subunit alpha 8; minus strand). Cytogenetic location: 10p13.
Variant type: single nucleotide variant.
Coding change: c.2542G>T on transcript NM_003638.3 (MANE Select); coding-DNA position 2542, G replaced by T.
Protein change: p.Ala848Ser; replaces alanine 848 with serine.
Molecular consequence: missense variant.
Genome position (GRCh38, 1-based): chr10:15,572,306, C>A on the plus strand (G>T on the coding strand, the complement: ITGA8 is on the minus strand). VCF-style: chr10-15572306-C-A. GRCh37 (hg19) VCF-style: chr10-15614305-C-A.
Other names: c.2497G>T, p.Ala833Ser (NM_001291494.2); c.2542G>T (NM_003638.1); short protein forms A848S, A833S.
Identifiers: ClinVar variation 2154191 (VCV002154191.5), dbSNP rs146071511, ClinGen allele CA5419809.
Genomic context (GRCh38, chr10:15,572,306, plus strand): 5'-GGCACTGCAGAGGTCCCAGAGTTTGAATATGGAAAATATAGAGAAGAAATTCATCCCGGG[C>A]AGAGAAAGGCCAGCCCACCTCCAGGATGGTGTCACTGATGGTACTTGGTCCAATATTGTG-3'
Protein context (NP_003629.2, residues 838-858): TILEVGWPFS[Ala848Ser]RDEFLLYIFH